The following is an entry in ClinVar:

ClinVar aggregate classification (germline): Conflicting classifications of pathogenicity. Review status: criteria provided, conflicting classifications (1 of 4 stars). 5 submissions from 5 submitters: Uncertain significance (1); Likely benign (4). Last evaluated 2025-11-24.

Conditions:
Cardiovascular phenotype. Identifiers: MedGen CN230736.
Cardiomyopathy (CMYO). Also called: Cardiomyopathies. Identifiers: Orphanet 167848, MedGen C0878544, MONDO:0004994, HP:0001638. Inheritance: Various modes of inheritance.
Hypertrophic cardiomyopathy. Also called: HYPERTROPHIC MYOCARDIOPATHY. Identifiers: Orphanet 217569, MedGen C0007194, MeSH D002312, MONDO:0005045, HP:0001639.

Allele frequency attached by ClinVar (database versions not stated): ExAC 0.00001.

Submissions (5):

Labcorp Genetics (formerly Invitae), Labcorp
Classification: Likely benign for Hypertrophic cardiomyopathy. Last evaluated: 2025-11-24. Review status: criteria provided, single submitter. Criteria: Invitae Variant Classification Sherloc (09022015). Collection method: clinical testing. Allele origin: germline.

Ambry Genetics
Classification: Likely benign for Cardiovascular phenotype. Last evaluated: 2024-09-11. Review status: criteria provided, single submitter. Criteria: Ambry Variant Classification Scheme 2023. Collection method: clinical testing. Allele origin: germline.

All of Us Research Program, National Institutes of Health
Classification: Likely benign for Hypertrophic cardiomyopathy. Last evaluated: 2023-02-24. Review status: criteria provided, single submitter. Criteria: ACMG Guidelines, 2015. Collection method: clinical testing. Allele origin: germline. Inheritance: Autosomal dominant inheritance. Observed: 1 variant allele, 1 heterozygote.
Comment: This study involves interpretation of variants in research participants for the purpose of population health screening. Participant phenotype was not available at the time of variant classification. Additional details can be found in publication PMID: 35346344, PMCID: PMC8962531

Color Diagnostics, LLC DBA Color Health
Classification: Likely benign for Cardiomyopathy. Last evaluated: 2018-07-29. Review status: criteria provided, single submitter. Criteria: ACMG Guidelines, 2015. Collection method: clinical testing. Allele origin: germline.

Laboratory for Molecular Medicine, Mass General Brigham Personalized Medicine
Classification: Uncertain significance. Last evaluated: 2015-12-18. Review status: criteria provided, single submitter. Criteria: LMM Criteria. Collection method: clinical testing. Allele origin: germline. Observed: 2 variant alleles.
Comment: The p.Leu968Leu variant in MYBPC3 has been previously reported in 1 infant with neonatal onset DCM. It has been identified in 1/7586 East Asian chromosomes by t he Exome Aggregation Consortium (ExAC). Although this variant does not alter an amino acid residue, it is located in the last th ree bases of the exon, which is part of the 5? splice region. Computational tool s do not suggest an impact to splicing. However, this information is not predict ive enough to rule pathogenicity. In summary, the clinical significance of the p .Leu968Leu variant is uncertain.

NM_000256.3(MYBPC3):c.2904G>C (p.Leu968=)

Gene: MYBPC3 (myosin binding protein C3; minus strand). Cytogenetic location: 11p11.2.
Variant type: single nucleotide variant.
Coding change: c.2904G>C on transcript NM_000256.3 (MANE Select); coding-DNA position 2904, G replaced by C.
Protein change: p.Leu968=; no amino-acid change (leucine 968 retained).
Molecular consequence: synonymous variant.
Genome position (GRCh38, 1-based): chr11:47,335,043, C>G on the plus strand (G>C on the coding strand, the complement: MYBPC3 is on the minus strand). VCF-style: chr11-47335043-C-G. GRCh37 (hg19) VCF-style: chr11-47356594-C-G.
Identifiers: ClinVar variation 228867 (VCV000228867.10), dbSNP rs747974933, ClinGen allele CA079003.